The following is an entry in ClinVar:

NM_000260.4(MYO7A):c.2098G>C (p.Asp700His)

Gene: MYO7A (myosin VIIA; plus strand). Cytogenetic location: 11q13.5.
Variant type: single nucleotide variant.
Coding change: c.2098G>C on transcript NM_000260.4 (MANE Select); coding-DNA position 2098, G replaced by C.
Protein change: p.Asp700His; replaces aspartic acid 700 with histidine.
Molecular consequence: missense variant.
Genome position (GRCh38, 1-based): chr11:77,175,375, G>C. VCF-style: chr11-77175375-G-C. GRCh37 (hg19) VCF-style: chr11-76886421-G-C.
Other names: c.2098G>C (NM_000260.3); c.2098G>C, p.Asp700His (NM_001127180.2); c.2065G>C, p.Asp689His (NM_001369365.1); short protein forms D689H, D700H.
Identifiers: ClinVar variation 1037752 (VCV001037752.8), dbSNP rs782740550, ClinGen allele CA381939605.

ClinVar aggregate classification (germline): Uncertain significance. Review status: criteria provided, multiple submitters, no conflicts (2 of 4 stars). 2 submissions from 2 submitters: Uncertain significance (2). Last evaluated 2025-07-27.

Conditions:
Inborn genetic diseases. Identifiers: MedGen C0950123, MeSH D030342.

Allele frequency attached by ClinVar (database versions not stated): TOPMed 0.00001.
gnomAD v4.1: 4 of 1,613,010 alleles (0.00025%); highest among the groups gnomAD compares: Non-Finnish European, 0.00034%; no homozygotes.

Submissions (2):

Labcorp Genetics (formerly Invitae), Labcorp
Classification: Uncertain significance. Last evaluated: 2025-07-27. Review status: criteria provided, single submitter. Criteria: Invitae Variant Classification Sherloc (09022015). Collection method: clinical testing. Allele origin: germline.
Comment: This sequence change replaces aspartic acid, which is acidic and polar, with histidine, which is basic and polar, at codon 700 of the MYO7A protein (p.Asp700His). This variant is not present in population databases (gnomAD no frequency). This variant has not been reported in the literature in individuals affected with MYO7A-related conditions. ClinVar contains an entry for this variant (Variation ID: 1037752). Invitae Evidence Modeling of protein sequence and biophysical properties (such as structural, functional, and spatial information, amino acid conservation, physicochemical variation, residue mobility, and thermodynamic stability) has been performed for this missense variant. However, the output from this modeling did not meet the statistical confidence thresholds required to predict the impact of this variant on MYO7A protein function. In summary, the available evidence is currently insufficient to determine the role of this variant in disease. Therefore, it has been classified as a Variant of Uncertain Significance.

Ambry Genetics
Classification: Uncertain significance for Inborn genetic diseases. Last evaluated: 2023-07-25. Review status: criteria provided, single submitter. Criteria: Ambry Variant Classification Scheme 2023. Collection method: clinical testing. Allele origin: germline.